The following is an entry in ClinVar:

ClinVar aggregate classification (germline): Benign/Likely benign. Review status: criteria provided, multiple submitters, no conflicts (2 of 4 stars). 7 submissions from 7 submitters: Benign (3); Likely benign (1). 3 of the submissions do not count toward it. Last evaluated 2026-08-01.

Conditions:
Familial acute necrotizing encephalopathy (IIAE3). Also called: Susceptibility to Acute Necrotizing Encephalopathy 1; ENCEPHALOPATHY, ACUTE, INFECTION-INDUCED, SUSCEPTIBILITY TO, 3. Identifiers: Orphanet 88619, MedGen C2675556, MONDO:0011953, OMIM 608033.

Allele frequency attached by ClinVar (database versions not stated): ExAC 0.00004; gnomAD exomes 0.00117 and 0.00398; 1000 Genomes Project 30x 0.00359.
gnomAD v4.1: 6,547 of 1,596,446 alleles (0.41%); highest among the groups gnomAD compares: Non-Finnish European, 0.49%; 79 homozygotes.

Submissions (7):

CeGaT Center for Human Genetics Tuebingen
Classification: Benign. Last evaluated: 2026-08-01. Review status: criteria provided, single submitter. Criteria: CeGaT Center For Human Genetics Tuebingen Variant Classification Criteria Version 2. Collection method: clinical testing. Allele origin: germline. Affected: yes. Observed: 11 variant alleles.
Comment: RANBP2: BP4, BS1, BS2

Labcorp Genetics (formerly Invitae), Labcorp
Classification: Benign for Familial acute necrotizing encephalopathy. Last evaluated: 2025-12-29. Review status: criteria provided, single submitter. Criteria: Invitae Variant Classification Sherloc (09022015). Collection method: clinical testing. Allele origin: germline.

Blueprint Genetics
Classification: Likely benign. Last evaluated: 2024-11-21. Review status: criteria provided, single submitter. Criteria: ACMG Guidelines, 2015. Collection method: clinical testing. Allele origin: germline.

Breakthrough Genomics
Classification: Benign. Review status: criteria provided, single submitter. Criteria: ACMG Guidelines, 2015. Collection method: not provided. Allele origin: germline. Inheritance: Autosomal dominant inheritance. Affected: yes.

Clinical Genetics DNA and cytogenetics Diagnostics Lab, Erasmus MC, Erasmus Medical Center
Classification: Likely benign. Review status: no assertion criteria provided. Collection method: clinical testing. Allele origin: germline. Affected: yes. Study: VKGL Data-share Consensus. Not counted in ClinVar's aggregate classification.

Genome Diagnostics Laboratory, University Medical Center Utrecht
Classification: Likely benign. Review status: no assertion criteria provided. Collection method: clinical testing. Allele origin: germline. Affected: yes. Study: VKGL Data-share Consensus. Not counted in ClinVar's aggregate classification.

Laboratory of Diagnostic Genome Analysis, Leiden University Medical Center (LUMC)
Classification: Likely benign. Review status: no assertion criteria provided. Collection method: clinical testing. Allele origin: germline. Affected: yes. Study: VKGL Data-share Consensus. Not counted in ClinVar's aggregate classification.

NM_006267.5(RANBP2):c.7172C>G (p.Thr2391Ser)

Gene: RANBP2 (RAN binding protein 2; plus strand). Cytogenetic location: 2q13.
Variant type: single nucleotide variant.
Coding change: c.7172C>G on transcript NM_006267.5 (MANE Select); coding-DNA position 7172, C replaced by G.
Protein change: p.Thr2391Ser; replaces threonine 2391 with serine.
Molecular consequence: missense variant.
Genome position (GRCh38, 1-based): chr2:108,767,711, C>G. VCF-style: chr2-108767711-C-G. GRCh37 (hg19) VCF-style: chr2-109384167-C-G.
Other names: short protein forms T2391S.
Identifiers: ClinVar variation 469482 (VCV000469482.40), dbSNP rs2433786, ClinGen allele CA1823545.